The following is an entry in ClinVar:

ClinVar aggregate classification (germline): Benign/Likely benign. Review status: criteria provided, multiple submitters, no conflicts (2 of 4 stars). 2 submissions from 2 submitters: Benign (1); Likely benign (1). Last evaluated 2026-02-01.

Allele frequency attached by ClinVar (database versions not stated): gnomAD 0.00003; TOPMed 0.00003; gnomAD exomes 0.00004; ExAC 0.00005; 1000 Genomes Project 30x 0.00016; 1000 Genomes Project 0.00020.

Submissions (2):

CeGaT Center for Human Genetics Tuebingen
Classification: Likely benign. Last evaluated: 2026-02-01. Review status: criteria provided, single submitter. Criteria: CeGaT Center For Human Genetics Tuebingen Variant Classification Criteria Version 2. Collection method: clinical testing. Allele origin: germline. Affected: yes. Observed: 1 variant allele.
Comment: KMT2B: BP4, BP7

Labcorp Genetics (formerly Invitae), Labcorp
Classification: Benign. Last evaluated: 2025-09-23. Review status: criteria provided, single submitter. Criteria: Invitae Variant Classification Sherloc (09022015). Collection method: clinical testing. Allele origin: germline.

NM_014727.3(KMT2B):c.3831G>A (p.Pro1277=)

Gene: KMT2B (lysine methyltransferase 2B; plus strand). Cytogenetic location: 19q13.12.
Variant type: single nucleotide variant.
Coding change: c.3831G>A on transcript NM_014727.3 (MANE Select); coding-DNA position 3831, G replaced by A.
Protein change: p.Pro1277=; no amino-acid change (proline 1277 retained).
Molecular consequence: synonymous variant.
Genome position (GRCh38, 1-based): chr19:35,725,764, G>A. VCF-style: chr19-35725764-G-A. GRCh37 (hg19) VCF-style: chr19-36216665-G-A.
Identifiers: ClinVar variation 2149112 (VCV002149112.8), dbSNP rs575638277, ClinGen allele CA9384885.